The following is an entry in ClinVar:

ClinVar aggregate classification (germline): Benign/Likely benign. Review status: criteria provided, multiple submitters, no conflicts (2 of 4 stars). 4 submissions from 4 submitters: Benign (1); Likely benign (3). Last evaluated 2025-02-14.

Conditions:
Hereditary cancer-predisposing syndrome. Also called: Neoplastic Syndromes, Hereditary; Tumor predisposition; Hereditary Cancer Syndrome; Hereditary neoplastic syndrome. Identifiers: Orphanet 140162, MedGen C0027672, MeSH D009386, MONDO:0015356.
Breast-ovarian cancer, familial, susceptibility to, 3. Also called: RAD51C-Related Breast/Ovarian Cancer. Identifiers: Orphanet 145, MedGen C3150659, MONDO:0013253, OMIM 613399.
Fanconi anemia complementation group O. Also called: RAD51C-Related Fanconi Anemia. Identifiers: Orphanet 84, MedGen C3150653, MONDO:0013248, OMIM 613390.

Allele frequency attached by ClinVar (database versions not stated): TOPMed 0.00001.
gnomAD v4.1: 5 of 1,611,070 alleles (0.00031%); highest among the groups gnomAD compares: Non-Finnish European, 0.00042%; no homozygotes.

Submissions (4):

Myriad Genetics, Inc.
Classification: Benign for Breast-ovarian cancer, familial, susceptibility to, 3. Last evaluated: 2025-02-14. Review status: criteria provided, single submitter. Criteria: Myriad Autosomal Dominant, Autosomal Recessive and X-Linked Classification Criteria (2023). Collection method: clinical testing. Allele origin: unknown.
Comment: This variant is considered benign. This variant is a silent/synonymous amino acid change and it is not expected to impact splicing.

Labcorp Genetics (formerly Invitae), Labcorp
Classification: Likely benign for Fanconi anemia complementation group O. Last evaluated: 2024-07-10. Review status: criteria provided, single submitter. Criteria: Invitae Variant Classification Sherloc (09022015). Collection method: clinical testing. Allele origin: germline.

Blueprint Genetics
Classification: Likely benign. Last evaluated: 2019-09-10. Review status: criteria provided, single submitter. Criteria: ACMG Guidelines, 2015. Collection method: clinical testing. Allele origin: germline.

Ambry Genetics
Classification: Likely benign for Hereditary cancer-predisposing syndrome. Last evaluated: 2018-01-29. Review status: criteria provided, single submitter. Criteria: Ambry Variant Classification Scheme 2023. Collection method: clinical testing. Allele origin: germline.

NM_058216.3(RAD51C):c.396A>T (p.Thr132=)

Gene: RAD51C (RAD51 paralog C; plus strand). Cytogenetic location: 17q22.
Variant type: single nucleotide variant.
Coding change: c.396A>T on transcript NM_058216.3 (MANE Select); coding-DNA position 396, A replaced by T.
Protein change: p.Thr132=; no amino-acid change (threonine 132 retained).
Molecular consequence: synonymous variant. On other transcripts: non-coding transcript variant (2).
Genome position (GRCh38, 1-based): chr17:58,695,181, A>T. VCF-style: chr17-58695181-A-T. GRCh37 (hg19) VCF-style: chr17-56772542-A-T.
Other names: c.396A>T, p.Thr132= (NM_002876.4).
Identifiers: ClinVar variation 824441 (VCV000824441.15), dbSNP rs766221834, ClinGen allele CA8677205.